The following is an entry in ClinVar:

NM_005566.4(LDHA):c.117C>G (p.Ile39Met)

Gene: LDHA (lactate dehydrogenase A; plus strand). Cytogenetic location: 11p15.1.
Variant type: single nucleotide variant.
Coding change: c.117C>G on transcript NM_005566.4 (MANE Select); coding-DNA position 117, C replaced by G.
Protein change: p.Ile39Met; replaces isoleucine 39 with methionine.
Molecular consequence: missense variant. On other transcripts: non-coding transcript variant (1).
Genome position (GRCh38, 1-based): chr11:18,396,959, C>G. VCF-style: chr11-18396959-C-G. GRCh37 (hg19) VCF-style: chr11-18418506-C-G.
Other names: c.117C>G, p.Ile39Met (NM_001135239.2, NM_001165415.2, NM_001165416.2); c.204C>G, p.Ile68Met (NM_001165414.2); short protein forms I39M, I68M.
Identifiers: ClinVar variation 1482951 (VCV001482951.3), dbSNP rs756599511, ClinGen allele CA5911178.

ClinVar aggregate classification (germline): Uncertain significance (1 of 4 stars; one submission).

Conditions:
Glycogen storage disease due to lactate dehydrogenase M-subunit deficiency (GSD11). Also called: GSD XI; LACTATE DEHYDROGENASE A DEFICIENCY; Glycogen storage disease XI. Identifiers: Orphanet 284426, MedGen C2931743, MONDO:0013047, OMIM 612933.

Allele frequency attached by ClinVar (database versions not stated): ExAC 0.00001; gnomAD exomes below 0.00001.
gnomAD v4.1: 2 of 1,614,114 alleles (0.00012%); highest among the groups gnomAD compares: Non-Finnish European, 0.00017%; no homozygotes.

Submission:

Labcorp Genetics (formerly Invitae), Labcorp
Classification: Uncertain significance for Glycogen storage disease due to lactate dehydrogenase M-subunit deficiency. Last evaluated: 2021-12-10. Review status: criteria provided, single submitter. Criteria: Invitae Variant Classification Sherloc (09022015). Collection method: clinical testing. Allele origin: germline.
Comment: This sequence change replaces isoleucine, which is neutral and non-polar, with methionine, which is neutral and non-polar, at codon 39 of the LDHA protein (p.Ile39Met). This variant is present in population databases (rs756599511, gnomAD 0.0009%). This variant has not been reported in the literature in individuals affected with LDHA-related conditions. Algorithms developed to predict the effect of missense changes on protein structure and function are either unavailable or do not agree on the potential impact of this missense change (SIFT: "Deleterious"; PolyPhen-2: "Possibly Damaging"; Align-GVGD: "Class C0"). In summary, the available evidence is currently insufficient to determine the role of this variant in disease. Therefore, it has been classified as a Variant of Uncertain Significance.